The following is an entry in ClinVar:

ClinVar aggregate classification (germline): Uncertain significance (1 of 4 stars; one submission).

Conditions:
Inborn genetic diseases. Identifiers: MedGen C0950123, MeSH D030342.

Submission:

Ambry Genetics
Classification: Uncertain significance for Inborn genetic diseases. Last evaluated: 2021-07-21. Review status: criteria provided, single submitter. Criteria: Ambry Variant Classification Scheme 2023. Collection method: clinical testing. Allele origin: germline.
Comment: The p.M415I variant (also known as c.1245G>A), located in coding exon 4 of the WNK1 gene, results from a G to A substitution at nucleotide position 1245. The methionine at codon 415 is replaced by isoleucine, an amino acid with highly similar properties. This amino acid position is highly conserved in available vertebrate species. In addition, the in silico prediction for this alteration is inconclusive. Since supporting evidence is limited at this time, the clinical significance of this alteration remains unclear.

NM_018979.4(WNK1):c.1245G>A (p.Met415Ile)

Gene: WNK1 (WNK lysine deficient protein kinase 1; plus strand). Cytogenetic location: 12p13.33.
Variant type: single nucleotide variant.
Coding change: c.1245G>A on transcript NM_018979.4 (MANE Select); coding-DNA position 1245, G replaced by A.
Protein change: p.Met415Ile; replaces methionine 415 with isoleucine.
Molecular consequence: missense variant.
Genome position (GRCh38, 1-based): chr12:830,094, G>A. VCF-style: chr12-830094-G-A. GRCh37 (hg19) VCF-style: chr12-939260-G-A.
Other names: c.1245G>A, p.Met415Ile (NM_001184985.2, NM_014823.3, NM_213655.5); short protein forms M415I.
Identifiers: ClinVar variation 1759378 (VCV001759378.2), dbSNP rs2548299553, ClinGen allele CA383329378.